The following is an entry in ClinVar:

ClinVar aggregate classification (germline): Uncertain significance (1 of 4 stars; one submission).

Allele frequency attached by ClinVar (database versions not stated): TOPMed below 0.00001; gnomAD exomes 0.00001.
gnomAD v4.1: 8 of 1,613,724 alleles (0.0005%); highest among the groups gnomAD compares: Non-Finnish European, 0.00068%; no homozygotes.

Submission:

Labcorp Genetics (formerly Invitae), Labcorp
Classification: Uncertain significance. Last evaluated: 2022-06-26. Review status: criteria provided, single submitter. Criteria: Invitae Variant Classification Sherloc (09022015). Collection method: clinical testing. Allele origin: germline.
Comment: In summary, the available evidence is currently insufficient to determine the role of this variant in disease. Therefore, it has been classified as a Variant of Uncertain Significance. Experimental studies and prediction algorithms are not available or were not evaluated, and the functional significance of this variant is currently unknown. This variant has not been reported in the literature in individuals affected with EXOC6B-related conditions. This variant is not present in population databases (gnomAD no frequency). This sequence change replaces histidine, which is basic and polar, with tyrosine, which is neutral and polar, at codon 165 of the EXOC6B protein (p.His165Tyr).

NM_015189.3(EXOC6B):c.493C>T (p.His165Tyr)

Gene: EXOC6B (exocyst complex component 6B; minus strand). Cytogenetic location: 2p13.2.
Variant type: single nucleotide variant.
Coding change: c.493C>T on transcript NM_015189.3 (MANE Select); coding-DNA position 493, C replaced by T.
Protein change: p.His165Tyr; replaces histidine 165 with tyrosine.
Molecular consequence: missense variant. On other transcripts: non-coding transcript variant (2).
Genome position (GRCh38, 1-based): chr2:72,718,279, G>A on the plus strand (C>T on the coding strand, the complement: EXOC6B is on the minus strand). VCF-style: chr2-72718279-G-A. GRCh37 (hg19) VCF-style: chr2-72945408-G-A.
Other names: c.493C>T, p.His165Tyr (NM_001321729.2, NM_001321730.2, NM_001321731.2 and 1 more transcripts); c.154C>T, p.His52Tyr (NM_001321734.2); short protein forms H52Y, H165Y.
Identifiers: ClinVar variation 2102933 (VCV002102933.4), dbSNP rs1377402255, ClinGen allele CA347432897.